The following is an entry in ClinVar:

NM_201384.3(PLEC):c.1706G>A (p.Arg569Gln)

Gene: PLEC (plectin; minus strand). Cytogenetic location: 8q24.3.
Variant type: single nucleotide variant.
Coding change: c.1706G>A on transcript NM_201384.3 (MANE Select); coding-DNA position 1706, G replaced by A.
Protein change: p.Arg569Gln; replaces arginine 569 with glutamine.
Molecular consequence: missense variant.
Genome position (GRCh38, 1-based): chr8:143,932,824, C>T on the plus strand (G>A on the coding strand, the complement: PLEC is on the minus strand). VCF-style: chr8-143932824-C-T. GRCh37 (hg19) VCF-style: chr8-145006992-C-T.
Other names: p.Arg555Gln; c.1706G>A, p.Arg569Gln (NM_201382.4); c.1718G>A, p.Arg573Gln (NM_201383.3); c.1787G>A, p.Arg596Gln (NM_000445.5); c.1664G>A, p.Arg555Gln (NM_201378.4); c.1640G>A, p.Arg547Gln (NM_201379.3); c.2117G>A, p.Arg706Gln (NM_201380.4); c.1610G>A, p.Arg537Gln (NM_201381.3); short protein forms R537Q, R547Q, R555Q, R569Q, R573Q, R596Q, R706Q.
Identifiers: ClinVar variation 129935 (VCV000129935.26), dbSNP rs3135103, ClinGen allele CA154454.

ClinVar aggregate classification (germline): Benign/Likely benign. Review status: criteria provided, multiple submitters, no conflicts (2 of 4 stars). 11 submissions from 11 submitters: Benign (6); Likely benign (1). 4 of the submissions do not count toward it. Last evaluated 2026-02-01.

Conditions:
Epidermolysis bullosa simplex 5C, with pyloric atresia (EBS5C). Also called: PLEC1-Related Epidermolysis Bullosa with Pyloric Atresia; PLEC-Related Epidermolysis Bullosa with Pyloric Atresia; Epidermolysis bullosa simplex with pyloric atresia. Identifiers: Orphanet 158684, MedGen C2677349, MONDO:0012807, OMIM 612138.
Epidermolysis bullosa simplex 5B, with muscular dystrophy (EBS5B). Also called: Epidermolysis bullosa simplex with muscular dystrophy; EPIDERMOLYSIS BULLOSA SIMPLEX AND LIMB-GIRDLE MUSCULAR DYSTROPHY. Identifiers: Orphanet 257, MedGen C2931072, MONDO:0009181, OMIM 226670.
Epidermolysis bullosa simplex, Ogna type (EBS5A). Also called: Pidermolysis bullosa simplex 5A, Ogna type; EPIDERMOLYSIS BULLOSA SIMPLEX 5A, OGNA TYPE. Identifiers: Orphanet 79401, MedGen C0432317, MONDO:0007555, OMIM 131950.
Autosomal recessive limb-girdle muscular dystrophy type 2Q (LGMDR17). Also called: MUSCULAR DYSTROPHY, LIMB-GIRDLE, AUTOSOMAL RECESSIVE 17. Identifiers: Orphanet 254361, MedGen C3150989, MONDO:0013390, OMIM 613723.
Epidermolysis bullosa simplex with nail dystrophy (EBS5D). Identifiers: MedGen C4225309, MONDO:0014661, OMIM 616487.

Allele frequency attached by ClinVar (database versions not stated): 1000 Genomes Project 0.00659; 1000 Genomes Project 30x 0.00718; TOPMed 0.01188; gnomAD 0.01396 and 0.01472; gnomAD exomes 0.01410 and 0.01816; ESP Exome Variant Server 0.01471; ExAC 0.01498.
gnomAD v4.1: 28,410 of 1,612,510 alleles (1.8%); highest among the groups gnomAD compares: Non-Finnish European, 2.1%; 317 homozygotes.

Submissions (11):

Labcorp Genetics (formerly Invitae), Labcorp
Classification: Benign for Autosomal recessive limb-girdle muscular dystrophy type 2Q; Epidermolysis bullosa simplex, Ogna type; Epidermolysis bullosa simplex with nail dystrophy; Epidermolysis bullosa simplex 5C, with pyloric atresia; Epidermolysis bullosa simplex 5B, with muscular dystrophy. Last evaluated: 2026-02-01. Review status: criteria provided, single submitter. Criteria: Invitae Variant Classification Sherloc (09022015). Collection method: clinical testing. Allele origin: germline.

Blueprint Genetics
Classification: Likely benign. Last evaluated: 2024-11-27. Review status: criteria provided, single submitter. Criteria: ACMG Guidelines, 2015. Collection method: clinical testing. Allele origin: germline.

Athena Diagnostics
Classification: Benign. Last evaluated: 2024-01-10. Review status: criteria provided, single submitter. Criteria: Athena Diagnostics Criteria. Collection method: clinical testing. Allele origin: unknown.

Mayo Clinic Laboratories, Mayo Clinic
Classification: Benign. Last evaluated: 2018-03-01. Review status: criteria provided, single submitter. Criteria: ACMG Guidelines, 2015. Collection method: clinical testing. Allele origin: germline. Observed: 30 variant alleles.

GeneDx
Classification: Benign. Last evaluated: 2016-09-29. Review status: criteria provided, single submitter. Criteria: GeneDx Variant Classification (06012015). Collection method: clinical testing. Allele origin: germline. Affected: yes.
Comment: This variant is considered likely benign or benign based on one or more of the following criteria: it is a conservative change, it occurs at a poorly conserved position in the protein, it is predicted to be benign by multiple in silico algorithms, and/or has population frequency not consistent with disease.

Laboratory for Molecular Medicine, Mass General Brigham Personalized Medicine
Classification: Benign. Last evaluated: 2015-01-13. Review status: criteria provided, single submitter. Criteria: LMM Criteria. Collection method: clinical testing. Allele origin: germline. Observed: 1 variant allele.
Comment: p.Arg706Gln in exon 14 of PLEC: This variant is not expected to have clinical si gnificance because it has been identified in 2.0% (164/8396) of European America n chromosomes from a broad population by the NHLBI Exome Sequencing Project (dbSNP rs3135103).

Breakthrough Genomics
Classification: Benign. Review status: criteria provided, single submitter. Criteria: ACMG Guidelines, 2015. Collection method: not provided. Allele origin: germline. Inheritance: Autosomal recessive inheritance. Affected: yes.

Clinical Genetics, Academic Medical Center
Classification: Likely benign. Review status: no assertion criteria provided. Collection method: clinical testing. Allele origin: germline. Affected: yes. Study: VKGL Data-share Consensus. Not counted in ClinVar's aggregate classification.

Genetic Services Laboratory, University of Chicago
Classification: Likely benign for AllHighlyPenetrant. Review status: no assertion criteria provided. Collection method: clinical testing. Allele origin: germline. Inheritance: Autosomal recessive inheritance. Not counted in ClinVar's aggregate classification.
Comment: Likely benign based on allele frequency in 1000 Genomes Project or ESP global frequency and its presence in a patient with a rare or unrelated disease phenotype. NOT Sanger confirmed.

Genome Diagnostics Laboratory, University Medical Center Utrecht
Classification: Likely benign. Review status: no assertion criteria provided. Collection method: clinical testing. Allele origin: germline. Affected: yes. Study: VKGL Data-share Consensus. Not counted in ClinVar's aggregate classification.

Laboratory of Diagnostic Genome Analysis, Leiden University Medical Center (LUMC)
Classification: Benign. Review status: no assertion criteria provided. Collection method: clinical testing. Allele origin: germline. Affected: yes. Study: VKGL Data-share Consensus. Not counted in ClinVar's aggregate classification.

Literature cited by the submitters: PubMed 31699123 (cited by Athena Diagnostics).